The following is an entry in ClinVar:

ClinVar aggregate classification (germline): Uncertain significance (1 of 4 stars; one submission).

Conditions:
Arrhythmogenic right ventricular cardiomyopathy (ARVD). Also called: Arrhythmogenic right ventricular dysplasia; Cardiomyopathy, ARVC; Arrhythmogenic cardiomyopathy; Arrhythmogenic Right Ventricular Cardiomyopathy (ARVC). Identifiers: Orphanet 247, MedGen C0349788, MeSH D019571, MONDO:0016587. Disease mechanism: loss of function. Inheritance: Various modes of inheritance.

Submission:

All of Us Research Program, National Institutes of Health
Classification: Uncertain significance for Arrhythmogenic right ventricular cardiomyopathy. Last evaluated: 2024-07-10. Review status: criteria provided, single submitter. Criteria: ACMG Guidelines, 2015. Collection method: clinical testing. Allele origin: germline. Inheritance: Autosomal dominant inheritance. Observed: 1 variant allele, 1 heterozygote.
Comment: This missense variant replaces glutamine with histidine at codon 1006 of the DSG2 protein. Computational prediction suggests that this variant may not impact protein structure and function (internally defined REVEL score threshold <= 0.5, PMID: 27666373). To our knowledge, functional studies have not been reported for this variant. This variant has not been reported in individuals affected with DSG2-related disorders in the literature. This variant has not been identified in the general population by the Genome Aggregation Database (gnomAD). The available evidence is insufficient to determine the role of this variant in disease conclusively. Therefore, this variant is classified as a Variant of Uncertain Significance.

This study involves interpretation of variants in research participants for the purpose of population health screening. Participant phenotype was not available at the time of variant classification. Additional details can be found in publication PMID: 35346344, PMCID: PMC8962531

NM_001943.5(DSG2):c.3018G>T (p.Gln1006His)

Genes: DSG2 (desmoglein 2; plus strand), DSG2-AS1 (DSG2 antisense RNA 1; minus strand). Cytogenetic location: 18q12.1.
Variant type: single nucleotide variant.
Coding change: c.3018G>T on transcript NM_001943.5 (MANE Select); coding-DNA position 3018, G replaced by T.
Protein change: p.Gln1006His; replaces glutamine 1006 with histidine.
Molecular consequence: missense variant.
Genome position (GRCh38, 1-based): chr18:31,546,404, G>T. VCF-style: chr18-31546404-G-T. GRCh37 (hg19) VCF-style: chr18-29126367-G-T.
Other names: short protein forms Q1006H.
Identifiers: ClinVar variation 3386609 (VCV003386609.1).
Genomic context (GRCh38, chr18:31,546,404, plus strand): 5'-GGTCACTGAAAGAGTAATACAGCCTCATGGGGGTGGATCGAATCCTCTGGAAGGCACTCA[G>T]CATCTTCAAGATGTACCTTACGTCATGGTGAGGGAAAGAGAGAGCTTCCTTGCCCCCAGC-3'
Protein context (NP_001934.2, residues 996-1016): GGGSNPLEGT[Gln1006His]HLQDVPYVMV